The following is an entry in ClinVar:

NM_004990.4(MARS1):c.2302C>G (p.Gln768Glu)

Gene: MARS1 (methionyl-tRNA synthetase 1; plus strand). Cytogenetic location: 12q13.3.
Variant type: single nucleotide variant.
Coding change: c.2302C>G on transcript NM_004990.4 (MANE Select); coding-DNA position 2302, C replaced by G.
Protein change: p.Gln768Glu; replaces glutamine 768 with glutamic acid.
Molecular consequence: missense variant.
Genome position (GRCh38, 1-based): chr12:57,515,247, C>G. VCF-style: chr12-57515247-C-G. GRCh37 (hg19) VCF-style: chr12-57909030-C-G.
Other names: short protein forms Q768E.
Identifiers: ClinVar variation 2935141 (VCV002935141.3), dbSNP rs2540319759, ClinGen allele CA385466488.
Genomic context (GRCh38, chr12:57,515,247, plus strand): 5'-ATAGCTGCCTTGCTCTCTGTCATGCTTCAGCCTTACATGCCCACGGTTAGTGCCACAATC[C>G]AGGCCCAGCTGCAGCTCCCACCTCCAGCCTGCAGTATCCTGCTGACAAACTTCCTGTGTA-3'
Protein context (NP_004981.2, residues 758-778): PYMPTVSATI[Gln768Glu]AQLQLPPPAC

ClinVar aggregate classification (germline): Uncertain significance (1 of 4 stars; one submission).

Conditions:
Severe early-onset pulmonary alveolar proteinosis due to MARS deficiency. Also called: PULMONARY ALVEOLAR PROTEINOSIS, REUNION ISLAND; Interstitial lung and liver disease. Identifiers: Orphanet 440427, MedGen C4225400, MONDO:0014206, OMIM 615486.
Charcot-Marie-Tooth disease axonal type 2U. Also called: CHARCOT-MARIE-TOOTH NEUROPATHY, TYPE 2U; CHARCOT-MARIE-TOOTH DISEASE, AXONAL, AUTOSOMAL DOMINANT, TYPE 2U. Identifiers: Orphanet 397735, MedGen C4084821, MONDO:0014566, OMIM 616280.

gnomAD v4.1: 1 of 1,614,120 alleles (0.000062%); highest among the groups gnomAD compares: Non-Finnish European, 0.000085%; no homozygotes.

Submission:

Labcorp Genetics (formerly Invitae), Labcorp
Classification: Uncertain significance for Charcot-Marie-Tooth disease axonal type 2U; Severe early-onset pulmonary alveolar proteinosis due to MARS deficiency. Last evaluated: 2023-09-27. Review status: criteria provided, single submitter. Criteria: Invitae Variant Classification Sherloc (09022015). Collection method: clinical testing. Allele origin: germline.
Comment: This sequence change replaces glutamine, which is neutral and polar, with glutamic acid, which is acidic and polar, at codon 768 of the MARS protein (p.Gln768Glu). This variant is not present in population databases (gnomAD no frequency). This variant has not been reported in the literature in individuals affected with MARS-related conditions. An algorithm developed to predict the effect of missense changes on protein structure and function (PolyPhen-2) suggests that this variant is likely to be tolerated. In summary, the available evidence is currently insufficient to determine the role of this variant in disease. Therefore, it has been classified as a Variant of Uncertain Significance.